The following is an entry in ClinVar:

ClinVar aggregate classification (germline): Pathogenic (1 of 4 stars; one submission).

Conditions:
Bardet-Biedl syndrome (BBS). Identifiers: Orphanet 110, MedGen C0752166, MONDO:0015229.

Submission:

Labcorp Genetics (formerly Invitae), Labcorp
Classification: Pathogenic for Bardet-Biedl syndrome. Last evaluated: 2022-06-28. Review status: criteria provided, single submitter. Criteria: Invitae Variant Classification Sherloc (09022015). Collection method: clinical testing. Allele origin: germline.
Comment: For these reasons, this variant has been classified as Pathogenic. This variant has not been reported in the literature in individuals affected with BBS9-related conditions. This variant is a gross deletion of the genomic region encompassing exon(s) 10-19 of the BBS9 gene. This deletion is out-of-frame, and is expected to create a premature termination codon and result in an absent or disrupted protein product. Loss-of-function variants in BBS9 are known to be pathogenic (PMID: 16380913, 20177705).

Literature cited by the submitters: PubMed 16380913; PubMed 20177705.

NC_000007.13:g.(?_33376033)_(33427776_?)del

Gene: BBS9 (Bardet-Biedl syndrome 9; plus strand). Cytogenetic location: 7p14.3.
Variant type: Deletion.
Identifiers: ClinVar variation 2427652 (VCV002427652.4).